The following is an entry in ClinVar:

ClinVar aggregate classification (germline): Conflicting classifications of pathogenicity. Review status: criteria provided, conflicting classifications (1 of 4 stars). 2 submissions from 2 submitters: Uncertain significance (1); Likely benign (1). Last evaluated 2023-03-23.

Conditions:
Hereditary cancer-predisposing syndrome. Also called: Neoplastic Syndromes, Hereditary; Hereditary Cancer Syndrome; Hereditary neoplastic syndrome; Tumor predisposition. Identifiers: Orphanet 140162, MedGen C0027672, MeSH D009386, MONDO:0015356.
Hereditary breast ovarian cancer syndrome. Also called: Hereditary breast and/or ovarian cancer syndrome; Breast and ovarian cancer; BRCA1- and BRCA2-Associated Hereditary Breast and Ovarian Cancer; Hereditary breast and ovarian cancer syndrome; Hereditary breast and ovarian cancer syndrome (HBOC); Hereditary breast and ovarian cancer. Identifiers: Orphanet 145, MedGen C0677776, MeSH D061325, MONDO:0003582. Disease mechanism: loss of function.

Submissions (2):

University of Washington Department of Laboratory Medicine, University of Washington
Classification: Likely benign for Hereditary cancer-predisposing syndrome. Last evaluated: 2023-03-23. Review status: criteria provided, single submitter. Criteria: Dines et al. (Genet Med. 2020). Collection method: curation. Allele origin: germline.
Comment: Missense variant in a coldspot region where missense variants are very unlikely to be pathogenic (PMID:31911673).

BRCA1 coldspot (exon 11 using historical exon numbering). Reclassification based on statistical prior probability

Labcorp Genetics (formerly Invitae), Labcorp
Classification: Uncertain significance for Hereditary breast ovarian cancer syndrome. Last evaluated: 2023-03-01. Review status: criteria provided, single submitter. Criteria: Invitae Variant Classification Sherloc (09022015). Collection method: clinical testing. Allele origin: germline.
Comment: In summary, the available evidence is currently insufficient to determine the role of this variant in disease. Therefore, it has been classified as a Variant of Uncertain Significance. Advanced modeling of protein sequence and biophysical properties (such as structural, functional, and spatial information, amino acid conservation, physicochemical variation, residue mobility, and thermodynamic stability) performed at Invitae indicates that this missense variant is not expected to disrupt BRCA1 protein function. ClinVar contains an entry for this variant (Variation ID: 1058491). This variant has not been reported in the literature in individuals affected with BRCA1-related conditions. This variant is not present in population databases (gnomAD no frequency). This sequence change replaces aspartic acid, which is acidic and polar, with tyrosine, which is neutral and polar, at codon 295 of the BRCA1 protein (p.Asp295Tyr).

NM_007294.4(BRCA1):c.883G>T (p.Asp295Tyr)

Gene: BRCA1 (BRCA1 DNA repair associated; minus strand). Cytogenetic location: 17q21.31.
Variant type: single nucleotide variant.
Coding change: c.883G>T on transcript NM_007294.4 (MANE Select); coding-DNA position 883, G replaced by T.
Protein change: p.Asp295Tyr; replaces aspartic acid 295 with tyrosine.
Molecular consequence: missense variant. On other transcripts: 5 prime UTR variant (2), intron variant (137).
Genome position (GRCh38, 1-based): chr17:43,094,648, C>A on the plus strand (G>T on the coding strand, the complement: BRCA1 is on the minus strand). VCF-style: chr17-43094648-C-A. GRCh37 (hg19) VCF-style: chr17-41246665-C-A.
Other names: c.670G>T, p.Asp224Tyr (NM_001407571.1, NM_001407853.1, NM_001407894.1 and 9 more transcripts); c.883G>T, p.Asp295Tyr (NM_001407581.1, NM_001407582.1, NM_001407583.1 and 30 more transcripts); c.880G>T, p.Asp294Tyr (NM_001407587.1, NM_001407590.1, NM_001407591.1 and 22 more transcripts); c.874G>T, p.Asp292Tyr (NM_001407646.1, NM_001407647.1); c.760G>T, p.Asp254Tyr (NM_001407648.1, NM_001407664.1, NM_001407665.1 and 19 more transcripts); c.757G>T, p.Asp253Tyr (NM_001407649.1, NM_001407670.1, NM_001407671.1 and 11 more transcripts); c.805G>T, p.Asp269Tyr (NM_001407653.1, NM_001407654.1, NM_001407655.1 and 4 more transcripts); c.802G>T, p.Asp268Tyr (NM_001407659.1, NM_001407660.1, NM_001407661.1 and 1 more transcripts); and 40 more; short protein forms D248Y, D295Y, D127Y, D184Y, D224Y, D225Y, D253Y, D292Y.
Identifiers: ClinVar variation 1058491 (VCV001058491.12), dbSNP rs2154487384, ClinGen allele CA10600308.